The following is an entry in ClinVar:

NM_181776.3(SLC36A2):c.1237G>A (p.Val413Met)

Gene: SLC36A2 (solute carrier family 36 member 2; minus strand). Cytogenetic location: 5q33.1.
Variant type: single nucleotide variant.
Coding change: c.1237G>A on transcript NM_181776.3 (MANE Select); coding-DNA position 1237, G replaced by A.
Protein change: p.Val413Met; replaces valine 413 with methionine.
Molecular consequence: missense variant.
Genome position (GRCh38, 1-based): chr5:151,317,032, C>T on the plus strand (G>A on the coding strand, the complement: SLC36A2 is on the minus strand). VCF-style: chr5-151317032-C-T. GRCh37 (hg19) VCF-style: chr5-150696593-C-T.
Other names: c.1237G>A (NM_181776.2); short protein forms V413M.
Identifiers: ClinVar variation 3892479 (VCV003892479.3).

ClinVar aggregate classification (germline): Uncertain significance. Review status: criteria provided, multiple submitters, no conflicts (2 of 4 stars). 3 submissions from 3 submitters: Uncertain significance (3). Last evaluated 2026-01-12.

Conditions:
Iminoglycinuria. Identifiers: Orphanet 42062, MedGen C0268654, MONDO:0009448, OMIM 242600.
Hyperglycinuria. Also called: GLYCINURIA WITH OR WITHOUT OXALATE NEPHROLITHIASIS; GLYCINURIA WITH OR WITHOUT OXALATE UROLITHIASIS; IMINOGLYCINURIA TYPE II. Identifiers: MedGen C0543541, MONDO:0007677, OMIM 138500, HP:0003108.

gnomAD v4.1: 132 of 1,614,002 alleles (0.0082%); highest among the groups gnomAD compares: Middle Eastern, 0.033%; no homozygotes.

Submissions (3):

Labcorp Genetics (formerly Invitae), Labcorp
Classification: Uncertain significance. Last evaluated: 2026-01-12. Review status: criteria provided, single submitter. Criteria: Invitae Variant Classification Sherloc (09022015). Collection method: clinical testing. Allele origin: germline.
Comment: This sequence change replaces valine, which is neutral and non-polar, with methionine, which is neutral and non-polar, at codon 413 of the SLC36A2 protein (p.Val413Met). This variant is present in population databases (rs763459844, gnomAD 0.1%), and has an allele count higher than expected for a pathogenic variant. This variant has not been reported in the literature in individuals affected with SLC36A2-related conditions. ClinVar contains an entry for this variant (Variation ID: 3892479). Invitae Evidence Modeling of protein sequence and biophysical properties (such as structural, functional, and spatial information, amino acid conservation, physicochemical variation, residue mobility, and thermodynamic stability) indicates that this missense variant is not expected to disrupt SLC36A2 protein function with a negative predictive value of 80%. In summary, the available evidence is currently insufficient to determine the role of this variant in disease. Therefore, it has been classified as a Variant of Uncertain Significance.

Ambry Genetics
Classification: Uncertain significance. Last evaluated: 2025-04-17. Review status: criteria provided, single submitter. Criteria: Ambry Variant Classification Scheme 2023. Collection method: clinical testing. Allele origin: germline.

Department of Pathology and Laboratory Medicine, Sinai Health System
Classification: Uncertain significance for Hyperglycinuria; Iminoglycinuria. Last evaluated: 2022-03-08. Review status: criteria provided, single submitter. Criteria: ACMG Guidelines, 2015. Collection method: research. Allele origin: germline.